The following is an entry in ClinVar:

NM_007315.4(STAT1):c.263G>A (p.Arg88His)

Gene: STAT1 (signal transducer and activator of transcription 1; minus strand). Cytogenetic location: 2q32.2.
Variant type: single nucleotide variant.
Coding change: c.263G>A on transcript NM_007315.4 (MANE Select); coding-DNA position 263, G replaced by A.
Protein change: p.Arg88His; replaces arginine 88 with histidine.
Molecular consequence: missense variant.
Genome position (GRCh38, 1-based): chr2:191,008,973, C>T on the plus strand (G>A on the coding strand, the complement: STAT1 is on the minus strand). VCF-style: chr2-191008973-C-T. GRCh37 (hg19) VCF-style: chr2-191873699-C-T.
Other names: c.263G>A, p.Arg88His (NM_001384880.1, NM_001384882.1, NM_001384883.1 and 7 more transcripts); c.269G>A, p.Arg90His (NM_001384881.1, NM_001384884.1); c.299G>A, p.Arg100His (NM_001384891.1); short protein forms R100H, R88H, R90H.
Identifiers: ClinVar variation 3751001 (VCV003751001.2).

ClinVar aggregate classification (germline): Uncertain significance (1 of 4 stars; one submission).

Conditions:
Mendelian susceptibility to mycobacterial diseases due to partial STAT1 deficiency. Also called: IMMUNODEFICIENCY 31A, MYCOBACTERIOSIS, AUTOSOMAL DOMINANT; STAT1 DEFICIENCY, AUTOSOMAL DOMINANT; Immunodeficiency 31a. Identifiers: Orphanet 319595, MedGen C4013950, MONDO:0013956, OMIM 614892.
Immunodeficiency 31B. Also called: STAT1 DEFICIENCY, AUTOSOMAL RECESSIVE; IMMUNODEFICIENCY 31B, MYCOBACTERIAL AND VIRAL INFECTIONS, AUTOSOMAL RECESSIVE. Identifiers: Orphanet 391311, MedGen C3151088, MONDO:0013427, OMIM 613796.
Autoimmune enteropathy and endocrinopathy - susceptibility to chronic infections syndrome. Also called: Immunodeficiency 31C, autosomal dominant; Immunodeficiency 31C. Identifiers: Orphanet 391487, MedGen C3279990, MONDO:0013599, OMIM 614162.

Submission:

Labcorp Genetics (formerly Invitae), Labcorp
Classification: Uncertain significance for Mendelian susceptibility to mycobacterial diseases due to partial STAT1 deficiency; Immunodeficiency 31B; Autoimmune enteropathy and endocrinopathy - susceptibility to chronic infections syndrome. Last evaluated: 2024-12-23. Review status: criteria provided, single submitter. Criteria: Invitae Variant Classification Sherloc (09022015). Collection method: clinical testing. Allele origin: germline.
Comment: This sequence change replaces arginine, which is basic and polar, with histidine, which is basic and polar, at codon 88 of the STAT1 protein (p.Arg88His). This variant is present in population databases (no rsID available, gnomAD 0.003%). This variant has not been reported in the literature in individuals affected with STAT1-related conditions. An algorithm developed to predict the effect of missense changes on protein structure and function (PolyPhen-2) suggests that this variant is likely to be tolerated. In summary, the available evidence is currently insufficient to determine the role of this variant in disease. Therefore, it has been classified as a Variant of Uncertain Significance.